The following is an entry in ClinVar:

ClinVar aggregate classification (germline): Uncertain significance (1 of 4 stars; one submission).

gnomAD v4.1: 9 of 1,614,132 alleles (0.00056%); highest among the groups gnomAD compares: South Asian, 0.0022%; no homozygotes.

Submission:

Labcorp Genetics (formerly Invitae), Labcorp
Classification: Uncertain significance. Last evaluated: 2024-11-25. Review status: criteria provided, single submitter. Criteria: Invitae Variant Classification Sherloc (09022015). Collection method: clinical testing. Allele origin: germline.
Comment: This sequence change replaces arginine, which is basic and polar, with histidine, which is basic and polar, at codon 190 of the SNIP1 protein (p.Arg190His). This variant is present in population databases (no rsID available, gnomAD 0.003%). This variant has not been reported in the literature in individuals affected with SNIP1-related conditions. Invitae Evidence Modeling of protein sequence and biophysical properties (such as structural, functional, and spatial information, amino acid conservation, physicochemical variation, residue mobility, and thermodynamic stability) indicates that this missense variant is not expected to disrupt SNIP1 protein function with a negative predictive value of 80%. In summary, the available evidence is currently insufficient to determine the role of this variant in disease. Therefore, it has been classified as a Variant of Uncertain Significance.

NM_024700.4(SNIP1):c.569G>A (p.Arg190His)

Genes: SNIP1 (Smad nuclear interacting protein 1; minus strand), LOC126805704 (BRD4-independent group 4 enhancer GRCh37_chr1:38005292-38006491; plus strand). Cytogenetic location: 1p34.3.
Variant type: single nucleotide variant.
Coding change: c.569G>A on transcript NM_024700.4 (MANE Select); coding-DNA position 569, G replaced by A.
Protein change: p.Arg190His; replaces arginine 190 with histidine.
Molecular consequence: missense variant.
Genome position (GRCh38, 1-based): chr1:37,540,514, C>T on the plus strand (G>A on the coding strand, the complement: SNIP1 is on the minus strand). VCF-style: chr1-37540514-C-T. GRCh37 (hg19) VCF-style: chr1-38006115-C-T.
Other names: short protein forms R190H.
Identifiers: ClinVar variation 3708282 (VCV003708282.2).